The following is an entry in ClinVar:

ClinVar aggregate classification (germline): Likely pathogenic (1 of 4 stars; one submission).

Conditions:
Autosomal dominant nonsyndromic hearing loss 4A. Also called: Deafness, autosomal dominant 4A. Identifiers: Orphanet 90635, MedGen C1833503, MONDO:0010915, OMIM 600652.

gnomAD v4.1: 2 of 1,613,538 alleles (0.00012%); highest among the groups gnomAD compares: Non-Finnish European, 0.00017%; no homozygotes.

Submission:

Human Genetics Bochum, Ruhr University Bochum
Classification: Likely pathogenic for Autosomal dominant nonsyndromic hearing loss 4A. Last evaluated: 2026-04-29. Review status: criteria provided, single submitter. Criteria: ACMG Guidelines, 2015. Collection method: clinical testing. Allele origin: germline. Affected: yes.
Comment: ACMG criteria used to clasify this variant: PVS1, PM2_SUP

NM_001145809.2(MYH14):c.591-2A>G

Gene: MYH14 (myosin heavy chain 14; plus strand). Cytogenetic location: 19q13.33.
Variant type: single nucleotide variant.
Coding change: c.591-2A>G on transcript NM_001145809.2 (MANE Select); the canonical splice acceptor site of the intron before coding-DNA position 591, A replaced by G.
Molecular consequence: splice acceptor variant.
Genome position (GRCh38, 1-based): chr19:50,223,245, A>G. VCF-style: chr19-50223245-A-G. GRCh37 (hg19) VCF-style: chr19-50726502-A-G.
Other names: c.591-2A>G (NM_001077186.2, NM_024729.4).
Identifiers: ClinVar variation 4876768 (VCV004876768.1).